The following is an entry in ClinVar:

NM_000257.4(MYH7):c.1327A>T (p.Ile443Phe)

Gene: MYH7 (myosin heavy chain 7; minus strand). Cytogenetic location: 14q11.2.
Variant type: single nucleotide variant.
Coding change: c.1327A>T on transcript NM_000257.4 (MANE Select); coding-DNA position 1327, A replaced by T.
Protein change: p.Ile443Phe; replaces isoleucine 443 with phenylalanine.
Molecular consequence: missense variant.
Genome position (GRCh38, 1-based): chr14:23,429,035, T>A on the plus strand (A>T on the coding strand, the complement: MYH7 is on the minus strand). VCF-style: chr14-23429035-T-A. GRCh37 (hg19) VCF-style: chr14-23898244-T-A.
Other names: c.1327A>T, p.Ile443Phe (NM_001407004.1); short protein forms I443F.
Identifiers: ClinVar variation 2693993 (VCV002693993.3), dbSNP rs2502302164, ClinGen allele CA389050856.

ClinVar aggregate classification (germline): Uncertain significance (1 of 4 stars; one submission).

Conditions:
Hypertrophic cardiomyopathy. Also called: HYPERTROPHIC MYOCARDIOPATHY. Identifiers: Orphanet 217569, MedGen C0007194, MeSH D002312, MONDO:0005045, HP:0001639.

Submission:

Labcorp Genetics (formerly Invitae), Labcorp
Classification: Uncertain significance for Hypertrophic cardiomyopathy. Last evaluated: 2023-11-07. Review status: criteria provided, single submitter. Criteria: Invitae Variant Classification Sherloc (09022015). Collection method: clinical testing. Allele origin: germline.
Comment: This sequence change replaces isoleucine, which is neutral and non-polar, with phenylalanine, which is neutral and non-polar, at codon 443 of the MYH7 protein (p.Ile443Phe). This variant is not present in population databases (gnomAD no frequency). This variant has not been reported in the literature in individuals affected with MYH7-related conditions. Advanced modeling of protein sequence and biophysical properties (such as structural, functional, and spatial information, amino acid conservation, physicochemical variation, residue mobility, and thermodynamic stability) performed at Invitae indicates that this missense variant is expected to disrupt MYH7 protein function with a positive predictive value of 95%. In summary, the available evidence is currently insufficient to determine the role of this variant in disease. Therefore, it has been classified as a Variant of Uncertain Significance.